The following is an entry in ClinVar:

ClinVar aggregate classification (germline): Uncertain significance (1 of 4 stars; one submission).

Conditions:
Inborn genetic diseases. Identifiers: MedGen C0950123, MeSH D030342.

gnomAD v4.1: 3 of 1,613,938 alleles (0.00019%); highest among the groups gnomAD compares: Non-Finnish European, 0.00025%; no homozygotes.

Submission:

Ambry Genetics
Classification: Uncertain significance for Inborn genetic diseases. Last evaluated: 2025-12-24. Review status: criteria provided, single submitter. Criteria: Ambry Variant Classification Scheme 2023. Collection method: clinical testing. Allele origin: germline.
Comment: The c.1267C>G (p.R423G) alteration is located in exon 14 (coding exon 14) of the ACTL6B gene. This alteration results from a C to G substitution at nucleotide position 1267, causing the arginine (R) at amino acid position 423 to be replaced by a glycine (G). Based on data from gnomAD, the G allele has an overall frequency of <0.001% (1/250946) total alleles studied. The highest observed frequency was 0.001% (1/113362) of European (non-Finnish) alleles. Based on insufficient or conflicting evidence, the clinical significance of this alteration remains unclear.

NM_016188.5(ACTL6B):c.1267C>G (p.Arg423Gly)

Gene: ACTL6B (actin like 6B; minus strand). Cytogenetic location: 7q22.1.
Variant type: single nucleotide variant.
Coding change: c.1267C>G on transcript NM_016188.5 (MANE Select); coding-DNA position 1267, C replaced by G.
Protein change: p.Arg423Gly; replaces arginine 423 with glycine.
Molecular consequence: missense variant. On other transcripts: non-coding transcript variant (1).
Genome position (GRCh38, 1-based): chr7:100,643,260, G>C on the plus strand (C>G on the coding strand, the complement: ACTL6B is on the minus strand). VCF-style: chr7-100643260-G-C. GRCh37 (hg19) VCF-style: chr7-100240883-G-C.
Other names: short protein forms R423G.
Identifiers: ClinVar variation 4838543 (VCV004838543.1).